The following is an entry in ClinVar:

NM_005654.6(NR2F1):c.177A>G (p.Gly59=)

Genes: NR2F1 (nuclear receptor subfamily 2 group F member 1; plus strand), NR2F1-AS1 (NR2F1 regulatory antisense RNA 1; minus strand). Cytogenetic location: 5q15.
Variant type: single nucleotide variant.
Coding change: c.177A>G on transcript NM_005654.6 (MANE Select); coding-DNA position 177, A replaced by G.
Protein change: p.Gly59=; no amino-acid change (glycine 59 retained).
Molecular consequence: synonymous variant.
Genome position (GRCh38, 1-based): chr5:93,585,200, A>G. VCF-style: chr5-93585200-A-G. GRCh37 (hg19) VCF-style: chr5-92920906-A-G.
Identifiers: ClinVar variation 3602985 (VCV003602985.1).

ClinVar aggregate classification (germline): Uncertain significance (1 of 4 stars; one submission).

gnomAD v4.1: 8 of 1,536,422 alleles (0.00052%); highest among the groups gnomAD compares: Non-Finnish European, 0.0007%; no homozygotes.

Submission:

GeneDx
Classification: Uncertain significance. Last evaluated: 2024-08-08. Review status: criteria provided, single submitter. Criteria: GeneDx Variant Classification Process June 2021. Collection method: clinical testing. Allele origin: germline. Affected: yes.
Comment: Not observed at significant frequency in large population cohorts (gnomAD); In silico analysis indicates that this variant does not alter splicing; Has not been previously published as pathogenic or benign to our knowledge